The following is an entry in ClinVar:

ClinVar aggregate classification (germline): Benign. Review status: criteria provided, multiple submitters, no conflicts (2 of 4 stars). 2 submissions from 2 submitters: Benign (2). Last evaluated 2026-02-02.

Conditions:
Multiple endocrine neoplasia, type 2 (MEN2). Identifiers: Orphanet 653, MedGen C4048306, MONDO:0019003. Disease mechanism: gain of function.

Allele frequency attached by ClinVar (database versions not stated): 1000 Genomes Project 0.74261; 1000 Genomes Project 30x 0.75312; gnomAD 0.77809 and 0.78499; TOPMed 0.79530.
gnomAD v4.1: 118,468 of 152,216 alleles (78%); highest among the groups gnomAD compares: African/African-American, 92%; 46,962 homozygotes.

Submissions (2):

Labcorp Genetics (formerly Invitae), Labcorp
Classification: Benign for Multiple endocrine neoplasia, type 2. Last evaluated: 2026-02-02. Review status: criteria provided, single submitter. Criteria: Invitae Variant Classification Sherloc (09022015). Collection method: clinical testing. Allele origin: germline.

GeneDx
Classification: Benign. Last evaluated: 2019-06-14. Review status: criteria provided, single submitter. Criteria: GeneDx Variant Classification Process June 2021. Collection method: clinical testing. Allele origin: germline. Affected: yes.
Comment: This variant is associated with the following publications: (PMID: 20977903)

NM_020975.6(RET):c.73+9494A>C

Genes: MCS+9.7 (RET intron 1 enhancer; plus strand), RET (ret proto-oncogene; plus strand), LOC110121502 (VISTA enhancer hs2326; plus strand). Cytogenetic location: 10q11.21.
Variant type: single nucleotide variant.
Coding change: c.73+9494A>C on transcript NM_020975.6 (MANE Select); 9494 bases into the intron after coding-DNA position 73, A replaced by C.
Molecular consequence: intron variant.
Genome position (GRCh38, 1-based): chr10:43,086,825, A>C. VCF-style: chr10-43086825-A-C. GRCh37 (hg19) VCF-style: chr10-43582273-A-C.
Other names: c.73+9494A>C (NM_020630.7, NM_001406743.1, NM_001406744.1 and 36 more transcripts).
Identifiers: ClinVar variation 695195 (VCV000695195.11), dbSNP rs2506004, ClinGen allele CA13264947.
Genomic context (GRCh38, chr10:43,086,825, plus strand): 5'-GCAGTTGGGCAGGAGCGCCCATCATCCTGGCCAGGCCGCTGCAGCTGGTCTGGGTATGGA[A>C]GTGTGGGTGGTGGCCATCGTGCAGCTTAGGGCCTGGGCCCCTCAGAGCAGAAGGCTGGGT-3'